The following is an entry in ClinVar:

NM_000245.4(MET):c.1952C>T (p.Thr651Ile)

Gene: MET (MET proto-oncogene, receptor tyrosine kinase; plus strand). Cytogenetic location: 7q31.2.
Variant type: single nucleotide variant.
Coding change: c.1952C>T on transcript NM_000245.4 (MANE Select); coding-DNA position 1952, C replaced by T.
Protein change: p.Thr651Ile; replaces threonine 651 with isoleucine.
Molecular consequence: missense variant.
Genome position (GRCh38, 1-based): chr7:116,757,526, C>T. VCF-style: chr7-116757526-C-T. GRCh37 (hg19) VCF-style: chr7-116397580-C-T.
Other names: c.1952C>T, p.Thr651Ile (NM_001127500.3, NM_001324401.3); c.662C>T, p.Thr221Ile (NM_001324402.2); short protein forms T651I, T221I.
Identifiers: ClinVar variation 1483170 (VCV001483170.13), dbSNP rs2116921189, ClinGen allele CA368979503.

ClinVar aggregate classification (germline): Uncertain significance. Review status: criteria provided, multiple submitters, no conflicts (2 of 4 stars). 3 submissions from 3 submitters: Uncertain significance (3). Last evaluated 2025-04-09.

Conditions:
Hereditary cancer-predisposing syndrome. Also called: Neoplastic Syndromes, Hereditary; Hereditary neoplastic syndrome; Tumor predisposition; Hereditary Cancer Syndrome. Identifiers: Orphanet 140162, MedGen C0027672, MeSH D009386, MONDO:0015356.
Renal cell carcinoma. Identifiers: Orphanet 217071, MedGen C0007134, MeSH D002292, MONDO:0005086, HP:0005584.

gnomAD v4.1: 3 of 1,613,428 alleles (0.00019%); highest among the groups gnomAD compares: African/African-American, 0.0013%; no homozygotes.

Submissions (3):

Dasa
Classification: Uncertain significance. Last evaluated: 2025-04-09. Review status: criteria provided, single submitter. Criteria: DASA Assertion Criteria. Collection method: clinical testing. Allele origin: germline.
Comment: NM_000245.4(MET):c.1952C>T (p.Thr651Ile) is a missense variant that results in the substitution of threonine with isoleucine. This variant is rare in population databases. The currently available literature and clinical evidence are not sufficient to establish a definitive association between this variant and the reported condition. Therefore, this variant is classified as a variant of uncertain significance.

Ambry Genetics
Classification: Uncertain significance for Hereditary cancer-predisposing syndrome. Last evaluated: 2024-06-12. Review status: criteria provided, single submitter. Criteria: Ambry Variant Classification Scheme 2023. Collection method: clinical testing. Allele origin: germline.
Comment: The p.T651I variant (also known as c.1952C>T), located in coding exon 6 of the MET gene, results from a C to T substitution at nucleotide position 1952. The threonine at codon 651 is replaced by isoleucine, an amino acid with similar properties. This amino acid position is well conserved in available vertebrate species. In addition, this alteration is predicted to be tolerated by in silico analysis. Since supporting evidence is limited at this time, the clinical significance of this alteration remains unclear.

Labcorp Genetics (formerly Invitae), Labcorp
Classification: Uncertain significance for Renal cell carcinoma. Last evaluated: 2024-01-06. Review status: criteria provided, single submitter. Criteria: Invitae Variant Classification Sherloc (09022015). Collection method: clinical testing. Allele origin: germline.
Comment: This sequence change replaces threonine, which is neutral and polar, with isoleucine, which is neutral and non-polar, at codon 651 of the MET protein (p.Thr651Ile). This variant is not present in population databases (gnomAD no frequency). This variant has not been reported in the literature in individuals affected with MET-related conditions. ClinVar contains an entry for this variant (Variation ID: 1483170). Advanced modeling of protein sequence and biophysical properties (such as structural, functional, and spatial information, amino acid conservation, physicochemical variation, residue mobility, and thermodynamic stability) performed at Invitae indicates that this missense variant is not expected to disrupt MET protein function with a negative predictive value of 80%. In summary, the available evidence is currently insufficient to determine the role of this variant in disease. Therefore, it has been classified as a Variant of Uncertain Significance.